The following is an entry in ClinVar:

NM_001048174.2(MUTYH):c.95C>A (p.Ala32Asp)

Gene: MUTYH (mutY DNA glycosylase; minus strand). Cytogenetic location: 1p34.1.
Variant type: single nucleotide variant.
Coding change: c.95C>A on transcript NM_001048174.2 (MANE Select); coding-DNA position 95, C replaced by A.
Protein change: p.Ala32Asp; replaces alanine 32 with aspartic acid.
Molecular consequence: missense variant. On other transcripts: 5 prime UTR variant (7), non-coding transcript variant (7).
Genome position (GRCh38, 1-based): chr1:45,334,411, G>T on the plus strand (C>A on the coding strand, the complement: MUTYH is on the minus strand). VCF-style: chr1-45334411-G-T. GRCh37 (hg19) VCF-style: chr1-45800083-G-T.
Other names: c.95C>A, p.Ala32Asp (NM_001048171.2, NM_001048172.2, NM_001048173.2 and 15 more transcripts); c.137C>A, p.Ala46Asp (NM_001128425.2, NM_001293190.2, NM_001407069.1 and 2 more transcripts); c.-118C>A (NM_001293192.2, NM_001293196.2, NM_001407091.1); c.-177C>A (NM_001350650.2); c.-113C>A (NM_001350651.2, NM_001407082.1); c.-62C>A (NM_001407075.1); c.113C>A, p.Ala38Asp (NM_001407087.1); short protein forms A32D, A38D, A46D.
Identifiers: ClinVar variation 3233025 (VCV003233025.3), dbSNP rs2524353140, ClinGen allele CA340136992.

ClinVar aggregate classification (germline): Conflicting classifications of pathogenicity. Review status: criteria provided, conflicting classifications (1 of 4 stars). 2 submissions from 2 submitters: Uncertain significance (1); Benign (1). Last evaluated 2025-09-09.

Conditions:
Hereditary cancer-predisposing syndrome. Also called: Neoplastic Syndromes, Hereditary; Tumor predisposition; Hereditary Cancer Syndrome; Hereditary neoplastic syndrome. Identifiers: Orphanet 140162, MedGen C0027672, MeSH D009386, MONDO:0015356.
Familial adenomatous polyposis 2. Also called: Adenomas, multiple colorectal; COLORECTAL ADENOMATOUS POLYPOSIS, AUTOSOMAL RECESSIVE; ADENOMAS, MULTIPLE COLORECTAL, AUTOSOMAL RECESSIVE; FAP type 2; MUTYH Polyposis; MYH-associated polyposis. Identifiers: Orphanet 220460, Orphanet 247798, MedGen C3272841, MONDO:0012041, OMIM 608456.

Submissions (2):

Ambry Genetics
Classification: Benign for Hereditary cancer-predisposing syndrome. Last evaluated: 2025-09-09. Review status: criteria provided, single submitter. Criteria: Ambry Variant Classification Scheme 2023. Collection method: clinical testing. Allele origin: germline.

All of Us Research Program, National Institutes of Health
Classification: Uncertain significance for Familial adenomatous polyposis 2. Last evaluated: 2024-05-30. Review status: criteria provided, single submitter. Criteria: ACMG Guidelines, 2015. Collection method: clinical testing. Allele origin: germline. Inheritance: Autosomal recessive inheritance. Observed: 1 variant allele, 1 heterozygote.
Comment: This missense variant replaces alanine with aspartic acid at codon 46 of the MUTYH protein. Computational prediction suggests that this variant may not impact protein structure and function (internally defined REVEL score threshold <= 0.5, PMID: 27666373). To our knowledge, functional studies have not been reported for this variant. This variant has not been reported in individuals affected with MUTYH-related disorders in the literature. This variant has not been identified in the general population by the Genome Aggregation Database (gnomAD). The available evidence is insufficient to determine the role of this variant in disease conclusively. Therefore, this variant is classified as a Variant of Uncertain Significance.

This study involves interpretation of variants in research participants for the purpose of population health screening. Participant phenotype was not available at the time of variant classification. Additional details can be found in publication PMID: 35346344, PMCID: PMC8962531